The following is an entry in ClinVar:

ClinVar aggregate classification (germline): Pathogenic (1 of 4 stars; one submission).

Submission:

Labcorp Genetics (formerly Invitae), Labcorp
Classification: Pathogenic. Last evaluated: 2025-09-03. Review status: criteria provided, single submitter. Criteria: Invitae Variant Classification Sherloc (09022015). Collection method: clinical testing. Allele origin: germline.
Comment: This sequence change creates a premature translational stop signal (p.Gln42Lysfs*4) in the PHEX gene. It is expected to result in an absent or disrupted protein product. Loss-of-function variants in PHEX are known to be pathogenic (PMID: 9097956, 9106524, 19219621). This variant is not present in population databases (gnomAD no frequency). This premature translational stop signal has been observed in individual(s) with hypophosphatemic rickets (PMID: 34633109, 34806794; internal data). ClinVar contains an entry for this variant (Variation ID: 951424). For these reasons, this variant has been classified as Pathogenic.

Literature cited by the submitters: PubMed 9097956; PubMed 9106524; PubMed 19219621; PubMed 34633109; PubMed 34806794.

NM_000444.6(PHEX):c.124del (p.Gln42fs)

Gene: PHEX (phosphate regulating endopeptidase X-linked; plus strand). Cytogenetic location: Xp22.11.
Variant type: Deletion.
Coding change: c.124del on transcript NM_000444.6 (MANE Select); coding-DNA position 124, one base deleted (C; older notation c.124delC).
Protein change: p.Gln42fs; shifts the reading frame from glutamine 42.
Molecular consequence: frameshift variant.
Genome position (GRCh38, 1-based): chrX:22,038,474, C deleted. VCF-style (leftmost placement, unchanged base first): chrX-22038473-TC-T. GRCh37 (hg19) VCF-style: chrX-22056591-TC-T.
Other names: c.124del, p.Gln42fs (NM_001282754.2); short protein forms Q42fs.
Identifiers: ClinVar variation 951424 (VCV000951424.9), dbSNP rs1927126429, ClinGen allele CA1139667276.